The following is an entry in ClinVar:

NM_152383.5(DIS3L2):c.2065T>C (p.Tyr689His)

Gene: DIS3L2 (DIS3 like 3'-5' exoribonuclease 2; plus strand). Cytogenetic location: 2q37.1.
Variant type: single nucleotide variant.
Coding change: c.2065T>C on transcript NM_152383.5 (MANE Select); coding-DNA position 2065, T replaced by C.
Protein change: p.Tyr689His; replaces tyrosine 689 with histidine.
Molecular consequence: missense variant. On other transcripts: non-coding transcript variant (2), intron variant (1).
Genome position (GRCh38, 1-based): chr2:232,333,894, T>C. VCF-style: chr2-232333894-T-C. GRCh37 (hg19) VCF-style: chr2-233198604-T-C.
Other names: c.1582-9451T>C (NM_001257281.2); short protein forms Y689H.
Identifiers: ClinVar variation 410776 (VCV000410776.8), dbSNP rs1060503039, ClinGen allele CA16610702.

ClinVar aggregate classification (germline): Uncertain significance (1 of 4 stars; one submission).

Conditions:
Perlman syndrome (PRLMNS). Identifiers: Orphanet 2849, MedGen C0796113, MONDO:0009965, OMIM 267000.

Submission:

Labcorp Genetics (formerly Invitae), Labcorp
Classification: Uncertain significance for Perlman syndrome. Last evaluated: 2020-10-06. Review status: criteria provided, single submitter. Criteria: Invitae Variant Classification Sherloc (09022015). Collection method: clinical testing. Allele origin: germline.
Comment: Algorithms developed to predict the effect of missense changes on protein structure and function (SIFT, PolyPhen-2, Align-GVGD) all suggest that this variant is likely to be disruptive, but these predictions have not been confirmed by published functional studies. This variant is not present in population databases (ExAC no frequency) and has not been reported in the literature in individuals with a DIS3L2-related disease. This sequence change replaces tyrosine with histidine at codon 689 of the DIS3L2 protein (p.Tyr689His). The tyrosine residue is highly conserved and there is a moderate physicochemical difference between tyrosine and histidine. In summary, this variant is a novel missense change with uncertain impact on protein function. It has been classified as a Variant of Uncertain Significance.